The following is an entry in ClinVar:

NM_002691.4(POLD1):c.541G>A (p.Glu181Lys)

Gene: POLD1 (DNA polymerase delta 1, catalytic subunit; plus strand). Cytogenetic location: 19q13.33.
Variant type: single nucleotide variant.
Coding change: c.541G>A on transcript NM_002691.4 (MANE Select); coding-DNA position 541, G replaced by A.
Protein change: p.Glu181Lys; replaces glutamic acid 181 with lysine.
Molecular consequence: missense variant. On other transcripts: non-coding transcript variant (1).
Genome position (GRCh38, 1-based): chr19:50,402,076, G>A. VCF-style: chr19-50402076-G-A. GRCh37 (hg19) VCF-style: chr19-50905333-G-A.
Other names: c.541G>A, p.Glu181Lys (NM_001256849.1, NM_001308632.1); short protein forms E181K.
Identifiers: ClinVar variation 2837924 (VCV002837924.3), dbSNP rs1060501833, ClinGen allele CA406973242.

ClinVar aggregate classification (germline): Uncertain significance (1 of 4 stars; one submission).

Conditions:
POLD1-related polyposis and colorectal cancer syndrome (CRCS10). Also called: Colorectal cancer 10; COLORECTAL CANCER, SUSCEPTIBILITY TO, ON CHROMOSOME 19q; Colorectal cancer, susceptibility to, 10. Identifiers: Orphanet 220460, MedGen C2675481, MONDO:0012953, OMIM 612591.

Submission:

Labcorp Genetics (formerly Invitae), Labcorp
Classification: Uncertain significance for POLD1-related polyposis and colorectal cancer syndrome. Last evaluated: 2024-05-11. Review status: criteria provided, single submitter. Criteria: Invitae Variant Classification Sherloc (09022015). Collection method: clinical testing. Allele origin: germline.
Comment: This sequence change replaces glutamic acid, which is acidic and polar, with lysine, which is basic and polar, at codon 181 of the POLD1 protein (p.Glu181Lys). This variant is not present in population databases (gnomAD no frequency). This variant has not been reported in the literature in individuals affected with POLD1-related conditions. An algorithm developed to predict the effect of missense changes on protein structure and function (PolyPhen-2) suggests that this variant is likely to be disruptive. In summary, the available evidence is currently insufficient to determine the role of this variant in disease. Therefore, it has been classified as a Variant of Uncertain Significance.